The following is an entry in ClinVar:

NM_017780.4(CHD7):c.1699G>C (p.Val567Leu)

Genes: CHD7 (chromodomain helicase DNA binding protein 7; plus strand), LOC126860403 (CDK7 strongly-dependent group 2 enhancer GRCh37_chr8:61693034-61694233; plus strand). Cytogenetic location: 8q12.2.
Variant type: single nucleotide variant.
Coding change: c.1699G>C on transcript NM_017780.4 (MANE Select); coding-DNA position 1699, G replaced by C.
Protein change: p.Val567Leu; replaces valine 567 with leucine.
Molecular consequence: missense variant.
Genome position (GRCh38, 1-based): chr8:60,781,033, G>C. VCF-style: chr8-60781033-G-C. GRCh37 (hg19) VCF-style: chr8-61693592-G-C.
Other names: c.1699G>C, p.Val567Leu (NM_001316690.1); short protein forms V567L.
Identifiers: ClinVar variation 1778294 (VCV001778294.2), dbSNP rs1811195627, ClinGen allele CA371311392.
Genomic context (GRCh38, chr8:60,781,033, plus strand): 5'-ATTTCAATTCCTATTTGTGTCTCTCAGCATTCCCCGTCGGAGCCCTTTCTAGAGAAACCA[G>C]TGCCGGATATGACTCAGGTTAGTGGACCGAATGCTCAGCTAGTGAAGAGTGATGATTACC-3'
Protein context (NP_060250.2, residues 557-577): SPSEPFLEKP[Val567Leu]PDMTQVSGPN

ClinVar aggregate classification (germline): Uncertain significance (1 of 4 stars; one submission).

Conditions:
Inborn genetic diseases. Identifiers: MedGen C0950123, MeSH D030342.

Allele frequency attached by ClinVar (database versions not stated): gnomAD 0.00001.
gnomAD v4.1: 1 of 1,589,634 alleles (0.000063%); highest among the groups gnomAD compares: African/African-American, 0.0014%; no homozygotes.

Submission:

Ambry Genetics
Classification: Uncertain significance for Inborn genetic diseases. Last evaluated: 2022-06-22. Review status: criteria provided, single submitter. Criteria: Ambry Variant Classification Scheme 2023. Collection method: clinical testing. Allele origin: germline.
Comment: The p.V567L variant (also known as c.1699G>C), located in coding exon 2 of the CHD7 gene, results from a G to C substitution at nucleotide position 1699. The valine at codon 567 is replaced by leucine, an amino acid with highly similar properties. This amino acid position is conserved. In addition, the in silico prediction for this alteration is inconclusive. Since supporting evidence is limited at this time, the clinical significance of this alteration remains unclear.